The following is an entry in ClinVar:

ClinVar aggregate classification (germline): Uncertain significance (1 of 4 stars; one submission).

Conditions:
Primary ciliary dyskinesia. Also called: Ciliary dyskinesia. Identifiers: Orphanet 244, MedGen C0008780, MONDO:0016575, HP:0012265.

Allele frequency attached by ClinVar (database versions not stated): TOPMed 0.00002; gnomAD exomes 0.00008 and 0.00020; ExAC 0.00030; 1000 Genomes Project 30x 0.00047; 1000 Genomes Project 0.00060.
gnomAD v4.1: 129 of 1,591,640 alleles (0.0081%); highest among the groups gnomAD compares: South Asian, 0.14%; no homozygotes.

Submission:

Labcorp Genetics (formerly Invitae), Labcorp
Classification: Uncertain significance for Primary ciliary dyskinesia. Last evaluated: 2022-06-08. Review status: criteria provided, single submitter. Criteria: Invitae Variant Classification Sherloc (09022015). Collection method: clinical testing. Allele origin: germline.
Comment: This sequence change replaces glutamine, which is neutral and polar, with histidine, which is basic and polar, at codon 2992 of the DNAH8 protein (p.Gln2992His). This variant is present in population databases (rs575113985, gnomAD 0.2%). This missense change has been observed in individual(s) with DNAH8-related conditions (Invitae). ClinVar contains an entry for this variant (Variation ID: 858692). Algorithms developed to predict the effect of missense changes on protein structure and function are either unavailable or do not agree on the potential impact of this missense change (SIFT: "Deleterious"; PolyPhen-2: "Not Available"; Align-GVGD: "Class C0"). In summary, the available evidence is currently insufficient to determine the role of this variant in disease. Therefore, it has been classified as a Variant of Uncertain Significance.

NM_001206927.2(DNAH8):c.8976G>C (p.Gln2992His)

Gene: DNAH8 (dynein axonemal heavy chain 8; plus strand). Cytogenetic location: 6p21.2.
Variant type: single nucleotide variant.
Coding change: c.8976G>C on transcript NM_001206927.2 (MANE Select); coding-DNA position 8976, G replaced by C.
Protein change: p.Gln2992His; replaces glutamine 2992 with histidine.
Molecular consequence: missense variant.
Genome position (GRCh38, 1-based): chr6:38,898,293, G>C. VCF-style: chr6-38898293-G-C. GRCh37 (hg19) VCF-style: chr6-38866069-G-C.
Other names: c.8325G>C, p.Gln2775His (NM_001371.4); short protein forms Q2775H, Q2992H.
Identifiers: ClinVar variation 858692 (VCV000858692.7), dbSNP rs575113985, ClinGen allele CA3790355.